The following is an entry in ClinVar:

ClinVar aggregate classification (germline): Likely pathogenic (1 of 4 stars; one submission).

Submission:

GeneDx
Classification: Likely pathogenic. Last evaluated: 2015-06-11. Review status: criteria provided, single submitter. Criteria: GeneDx Variant Classification (06012015). Collection method: clinical testing. Allele origin: germline. Affected: yes.
Comment: The T475N variant in the ASNS gene has not been published as a pathogenic variant, nor has it been reported as a benign polymorphism to our knowledge. The T475N variant was not observed in approximately 6500 individuals of European and African American ancestry in the NHLBI Exome Sequencing Project, indicating it is not a common benign variant in these populations. The T475N variant is a conservative amino acid substitution which is not likely to impact secondary protein structure as these residues share similar properties. This substitution occurs in the Asparagine synthetase domain at a position that is not conserved. In silico analysis is inconsistent in its predictions as to whether or not the variant is damaging to the protein structure/function. The T475N variant is a strong candidate for a disease-causing variant, however the possibility that it may be a rare benign variant cannot be excluded.

NM_001673.5(ASNS):c.1424C>A (p.Thr475Asn)

Genes: ASNS (asparagine synthetase (glutamine-hydrolyzing); minus strand), CZ1P-ASNS (CZ1P-ASNS readthrough; minus strand). Cytogenetic location: 7q21.3.
Variant type: single nucleotide variant.
Coding change: c.1424C>A on transcript NM_001673.5 (MANE Select); coding-DNA position 1424, C replaced by A.
Protein change: p.Thr475Asn; replaces threonine 475 with asparagine.
Molecular consequence: missense variant. On other transcripts: non-coding transcript variant (1).
Genome position (GRCh38, 1-based): chr7:97,853,112, G>T on the plus strand (C>A on the coding strand, the complement: ASNS is on the minus strand). VCF-style: chr7-97853112-G-T. GRCh37 (hg19) VCF-style: chr7-97482424-G-T.
Other names: c.1424C>A, p.Thr475Asn (NM_133436.3, NM_001352496.2, NM_183356.4); c.1361C>A, p.Thr454Asn (NM_001178075.2); c.1175C>A, p.Thr392Asn (NM_001178076.2, NM_001178077.1); short protein forms T475N, T454N, T392N.
Identifiers: ClinVar variation 427098 (VCV000427098.2), dbSNP rs1085307956, ClinGen allele CA368264539.